The following is an entry in ClinVar:

NM_013328.4(PYCR2):c.558C>T (p.Asp186=)

Gene: PYCR2 (pyrroline-5-carboxylate reductase 2; minus strand). Cytogenetic location: 1q42.12.
Variant type: single nucleotide variant.
Coding change: c.558C>T on transcript NM_013328.4 (MANE Select); coding-DNA position 558, C replaced by T.
Protein change: p.Asp186=; no amino-acid change (aspartic acid 186 retained).
Molecular consequence: synonymous variant.
Genome position (GRCh38, 1-based): chr1:225,921,627, G>A on the plus strand (C>T on the coding strand, the complement: PYCR2 is on the minus strand). VCF-style: chr1-225921627-G-A. GRCh37 (hg19) VCF-style: chr1-226109327-G-A.
Other names: c.336C>T, p.Asp112= (NM_001271681.2).
Identifiers: ClinVar variation 2183657 (VCV002183657.5), dbSNP rs542793286, ClinGen allele CA1420173.

ClinVar aggregate classification (germline): Benign/Likely benign. Review status: criteria provided, multiple submitters, no conflicts (2 of 4 stars). 2 submissions from 2 submitters: Benign (1); Likely benign (1). Last evaluated 2026-07-01.

Allele frequency attached by ClinVar (database versions not stated): 1000 Genomes Project 30x 0.00031; 1000 Genomes Project 0.00040; ExAC 0.00062; TOPMed 0.00007; gnomAD 0.00017; gnomAD exomes 0.00028.

Submissions (2):

CeGaT Center for Human Genetics Tuebingen
Classification: Likely benign. Last evaluated: 2026-07-01. Review status: criteria provided, single submitter. Criteria: CeGaT Center For Human Genetics Tuebingen Variant Classification Criteria Version 2. Collection method: clinical testing. Allele origin: germline. Affected: yes. Observed: 1 variant allele.
Comment: PYCR2: BP4, BP7

Labcorp Genetics (formerly Invitae), Labcorp
Classification: Benign. Last evaluated: 2025-10-22. Review status: criteria provided, single submitter. Criteria: Invitae Variant Classification Sherloc (09022015). Collection method: clinical testing. Allele origin: germline.